The following is an entry in ClinVar:

ClinVar aggregate classification (germline): Uncertain significance (1 of 4 stars; one submission).

gnomAD v4.1: 46 of 1,607,250 alleles (0.0029%); highest among the groups gnomAD compares: Middle Eastern, 0.017%; no homozygotes.

Submission:

Labcorp Genetics (formerly Invitae), Labcorp
Classification: Uncertain significance. Last evaluated: 2024-08-01. Review status: criteria provided, single submitter. Criteria: Invitae Variant Classification Sherloc (09022015). Collection method: clinical testing. Allele origin: germline.
Comment: This sequence change replaces aspartic acid, which is acidic and polar, with asparagine, which is neutral and polar, at codon 488 of the AGAP1 protein (p.Asp488Asn). This variant is present in population databases (rs754610361, gnomAD 0.01%). This variant has not been reported in the literature in individuals affected with AGAP1-related conditions. An algorithm developed to predict the effect of missense changes on protein structure and function (PolyPhen-2) suggests that this variant is likely to be disruptive. In summary, the available evidence is currently insufficient to determine the role of this variant in disease. Therefore, it has been classified as a Variant of Uncertain Significance.

NM_001037131.3(AGAP1):c.1621G>A (p.Asp541Asn)

Gene: AGAP1 (ArfGAP with GTPase domain, ankyrin repeat and PH domain 1; plus strand). Cytogenetic location: 2q37.2.
Variant type: single nucleotide variant.
Coding change: c.1621G>A on transcript NM_001037131.3 (MANE Select); coding-DNA position 1621, G replaced by A.
Protein change: p.Asp541Asn; replaces aspartic acid 541 with asparagine.
Molecular consequence: missense variant.
Genome position (GRCh38, 1-based): chr2:235,968,599, G>A. VCF-style: chr2-235968599-G-A. GRCh37 (hg19) VCF-style: chr2-236877243-G-A.
Other names: c.1462G>A, p.Asp488Asn (NM_014914.5); short protein forms D488N, D541N.
Identifiers: ClinVar variation 3711228 (VCV003711228.2).